The following is an entry in ClinVar:

ClinVar aggregate classification (germline): Uncertain significance (1 of 4 stars; one submission).

Conditions:
Dilated cardiomyopathy 1W (CMD1W). Identifiers: Orphanet 154, MedGen C1969639, MONDO:0012667, OMIM 611407.

Allele frequency attached by ClinVar (database versions not stated): gnomAD exomes below 0.00001.
gnomAD v4.1: 2 of 1,614,180 alleles (0.00012%); highest among the groups gnomAD compares: Non-Finnish European, 0.00017%; no homozygotes.

Submission:

Labcorp Genetics (formerly Invitae), Labcorp
Classification: Uncertain significance for Dilated cardiomyopathy 1W. Last evaluated: 2022-10-23. Review status: criteria provided, single submitter. Criteria: Invitae Variant Classification Sherloc (09022015). Collection method: clinical testing. Allele origin: germline.
Comment: This variant has not been reported in the literature in individuals affected with VCL-related conditions. This variant is not present in population databases (gnomAD no frequency). This sequence change replaces glutamic acid, which is acidic and polar, with alanine, which is neutral and non-polar, at codon 728 of the VCL protein (p.Glu728Ala). Algorithms developed to predict the effect of missense changes on protein structure and function are either unavailable or do not agree on the potential impact of this missense change (SIFT: "Not Available"; PolyPhen-2: "Possibly Damaging"; Align-GVGD: "Not Available"). In summary, the available evidence is currently insufficient to determine the role of this variant in disease. Therefore, it has been classified as a Variant of Uncertain Significance.

NM_014000.3(VCL):c.2183A>C (p.Glu728Ala)

Gene: VCL (vinculin; plus strand). Cytogenetic location: 10q22.2.
Variant type: single nucleotide variant.
Coding change: c.2183A>C on transcript NM_014000.3 (MANE Select); coding-DNA position 2183, A replaced by C.
Protein change: p.Glu728Ala; replaces glutamic acid 728 with alanine.
Molecular consequence: missense variant.
Genome position (GRCh38, 1-based): chr10:74,105,102, A>C. VCF-style: chr10-74105102-A-C. GRCh37 (hg19) VCF-style: chr10-75864860-A-C.
Other names: c.2183A>C, p.Glu728Ala (NM_003373.4); short protein forms E728A.
Identifiers: ClinVar variation 2051768 (VCV002051768.4), dbSNP rs2549232117, ClinGen allele CA377261729.